The following is an entry in ClinVar:

NM_001123385.2(BCOR):c.4014A>C (p.Glu1338Asp)

Gene: BCOR (BCL6 corepressor; minus strand). Cytogenetic location: Xp11.4.
Variant type: single nucleotide variant.
Coding change: c.4014A>C on transcript NM_001123385.2 (MANE Select); coding-DNA position 4014, A replaced by C.
Protein change: p.Glu1338Asp; replaces glutamic acid 1338 with aspartic acid.
Molecular consequence: missense variant.
Genome position (GRCh38, 1-based): chrX:40,062,905, T>G on the plus strand (A>C on the coding strand, the complement: BCOR is on the minus strand). VCF-style: chrX-40062905-T-G. GRCh37 (hg19) VCF-style: chrX-39922158-T-G.
Other names: c.3912A>C, p.Glu1304Asp (NM_001123383.2, NM_017745.6); c.3858A>C, p.Glu1286Asp (NM_001123384.2); short protein forms E1304D, E1338D, E1286D.
Identifiers: ClinVar variation 133696 (VCV000133696.34), dbSNP rs142866108, ClinGen allele CA157374.

ClinVar aggregate classification (germline): Conflicting classifications of pathogenicity. Review status: criteria provided, conflicting classifications (1 of 4 stars). 4 submissions from 4 submitters: Uncertain significance (1); Likely benign (2). 1 of the submissions does not count toward it. Last evaluated 2025-09-10.

Conditions:
Oculofaciocardiodental syndrome (MCOPS2). Identifiers: Orphanet 2712, MedGen C1846265, MONDO:0010261, OMIM 300166.

Allele frequency attached by ClinVar (database versions not stated): gnomAD 0.00005 and 0.00006; TOPMed 0.00005; gnomAD exomes 0.00008 and 0.00010; ESP Exome Variant Server 0.00009; ExAC 0.00013.
gnomAD v4.1: 112 of 1,209,382 alleles (0.0093%); highest among the groups gnomAD compares: Non-Finnish European, 0.012%; no homozygotes.

Submissions (4):

Labcorp Genetics (formerly Invitae), Labcorp
Classification: Uncertain significance for Oculofaciocardiodental syndrome. Last evaluated: 2025-09-10. Review status: criteria provided, single submitter. Criteria: Invitae Variant Classification Sherloc (09022015). Collection method: clinical testing. Allele origin: germline.
Comment: This sequence change replaces glutamic acid, which is acidic and polar, with aspartic acid, which is acidic and polar, at codon 1304 of the BCOR protein (p.Glu1304Asp). This variant is present in population databases (rs142866108, gnomAD 0.02%). This variant has not been reported in the literature in individuals affected with BCOR-related conditions. ClinVar contains an entry for this variant (Variation ID: 133696). Invitae Evidence Modeling of protein sequence and biophysical properties (such as structural, functional, and spatial information, amino acid conservation, physicochemical variation, residue mobility, and thermodynamic stability) indicates that this missense variant is not expected to disrupt BCOR protein function with a negative predictive value of 80%. In summary, the available evidence is currently insufficient to determine the role of this variant in disease. Therefore, it has been classified as a Variant of Uncertain Significance.

CeGaT Center for Human Genetics Tuebingen
Classification: Likely benign. Last evaluated: 2022-06-01. Review status: criteria provided, single submitter. Criteria: CeGaT Center For Human Genetics Tuebingen Variant Classification Criteria Version 2. Collection method: clinical testing. Allele origin: germline. Affected: yes. Observed: 1 variant allele.
Comment: BCOR: BP4

Genetic Services Laboratory, University of Chicago
Classification: Likely benign. Last evaluated: 2017-07-26. Review status: criteria provided, single submitter. Criteria: ACMG Guidelines, 2015. Collection method: clinical testing. Allele origin: germline. Affected: no.

ITMI
No classification provided. Condition: AllHighlyPenetrant. Last evaluated: 2013-09-19. Review status: no classification provided. Collection method: reference population. Allele origin: germline. Not counted in ClinVar's aggregate classification.
Comment: Please see associated publication for description of ethnicities

Literature cited by the submitters: PubMed 24728327 (cited by ITMI).